The following is an entry in ClinVar:

NM_001195305.3(BBIP1):c.112+9A>G

Gene: BBIP1 (BBSome interacting protein 1; minus strand). Cytogenetic location: 10q25.2.
Variant type: single nucleotide variant.
Coding change: c.112+9A>G on transcript NM_001195305.3 (MANE Select); 9 bases into the intron after coding-DNA position 112, A replaced by G.
Molecular consequence: intron variant.
Genome position (GRCh38, 1-based): chr10:110,901,529, T>C on the plus strand (A>G on the coding strand, the complement: BBIP1 is on the minus strand). VCF-style: chr10-110901529-T-C. GRCh37 (hg19) VCF-style: chr10-112661287-T-C.
Other names: c.112+9A>G (NM_001195306.2); c.46+9A>G (NM_001243783.3); c.38-1003A>G (NM_001195307.2); c.269+9A>G (NM_001195304.2).
Identifiers: ClinVar variation 3358645 (VCV003358645.1).
Genomic context (GRCh38, chr10:110,901,529, plus strand): 5'-ATGTGACACTGCCTATGACTTCTTTAGTCCTGTAATAATCAATGACCTCAATATTTGTGA[T>C]GTACATACCTTGCTTTGGAAGAACTTCCCGGAACATTGACTTCACTTCTGCCATATCTGA-3'

ClinVar aggregate classification (germline): Likely benign (0 of 4 stars; one submission).

Conditions:
BBIP1-related disorder. Also called: BBIP1-related condition.

Submission:

PreventionGenetics, part of Exact Sciences
Classification: Likely benign for BBIP1-related condition. Last evaluated: 2021-02-18. Review status: no assertion criteria provided. Collection method: clinical testing. Allele origin: germline.
Comment: This variant is classified as likely benign based on ACMG/AMP sequence variant interpretation guidelines (Richards et al. 2015 PMID: 25741868, with internal and published modifications).